The following is an entry in ClinVar:

ClinVar aggregate classification (germline): Uncertain significance (1 of 4 stars; one submission).

Conditions:
Wilson disease (WND). Also called: Wilson's disease. Identifiers: Orphanet 905, MedGen C0019202, MONDO:0010200, OMIM 277900. Disease mechanism: loss of function.

Submission:

All of Us Research Program, National Institutes of Health
Classification: Uncertain significance for Wilson disease. Last evaluated: 2023-05-04. Review status: criteria provided, single submitter. Criteria: ACMG Guidelines, 2015. Collection method: clinical testing. Allele origin: germline. Inheritance: Autosomal recessive inheritance. Observed: 1 variant allele, 1 heterozygote.
Comment: This missense variant replaces glycine with arginine at codon 1221 of the ATP7B protein. Computational prediction suggests that this variant may have deleterious impact on protein structure and function (internally defined REVEL score threshold >= 0.7, PMID: 27666373). To our knowledge, functional studies have not been reported for this variant. This variant has not been reported in individuals affected with ATP7B-related disorders in the literature. This variant has not been identified in the general population by the Genome Aggregation Database (gnomAD). The available evidence is insufficient to determine the role of this variant in disease conclusively. Therefore, this variant is classified as a Variant of Uncertain Significance.

This study involves interpretation of variants in research participants for the purpose of population health screening. Participant phenotype was not available at the time of variant classification. Additional details can be found in publication PMID: 35346344, PMCID: PMC8962531

NM_000053.4(ATP7B):c.3661G>C (p.Gly1221Arg)

Gene: ATP7B (ATPase copper transporting beta; minus strand). Cytogenetic location: 13q14.3.
Variant type: single nucleotide variant.
Coding change: c.3661G>C on transcript NM_000053.4 (MANE Select); coding-DNA position 3661, G replaced by C.
Protein change: p.Gly1221Arg; replaces glycine 1221 with arginine.
Molecular consequence: missense variant.
Genome position (GRCh38, 1-based): chr13:51,939,089, C>G on the plus strand (G>C on the coding strand, the complement: ATP7B is on the minus strand). VCF-style: chr13-51939089-C-G. GRCh37 (hg19) VCF-style: chr13-52513225-C-G.
Other names: c.3040G>C, p.Gly1014Arg (NM_001005918.3); c.3328G>C, p.Gly1110Arg (NM_001243182.2); c.3427G>C, p.Gly1143Arg (NM_001330578.2, NM_001406527.1, NM_001406528.1); c.3409G>C, p.Gly1137Arg (NM_001330579.2, NM_001406531.1, NM_001406532.1); c.3661G>C, p.Gly1221Arg (NM_001406511.1, NM_001406512.1, NM_001406526.1); c.3655G>C, p.Gly1219Arg (NM_001406513.1); c.3628G>C, p.Gly1210Arg (NM_001406514.1); c.3607G>C, p.Gly1203Arg (NM_001406515.1, NM_001406516.1); and 20 more; short protein forms G1005R, G1014R, G1027R, G1057R, G1059R, G1072R, G1078R, G1095R.
Identifiers: ClinVar variation 3070699 (VCV003070699.1), dbSNP rs2547583025, ClinGen allele CA388023836.